The following is an entry in ClinVar:

ClinVar aggregate classification (germline): Likely benign. Review status: criteria provided, multiple submitters, no conflicts (2 of 4 stars). 3 submissions from 3 submitters: Likely benign (3). Last evaluated 2026-01-16.

Conditions:
Exostoses, multiple, type 2 (EXT2). Also called: Hereditary Multiple Osteochondromatosis, Type II; EXOSTOSES, MULTIPLE, TYPE II. Identifiers: Orphanet 321, MedGen C1851413, MONDO:0007586, OMIM 133701.

Allele frequency attached by ClinVar (database versions not stated): ExAC 0.00002; gnomAD exomes 0.00002; gnomAD 0.00003; TOPMed 0.00003.
gnomAD v4.1: 70 of 1,614,156 alleles (0.0043%); highest among the groups gnomAD compares: Middle Eastern, 0.033%; no homozygotes.

Submissions (3):

Labcorp Genetics (formerly Invitae), Labcorp
Classification: Likely benign for Exostoses, multiple, type 2. Last evaluated: 2026-01-16. Review status: criteria provided, single submitter. Criteria: Invitae Variant Classification Sherloc (09022015). Collection method: clinical testing. Allele origin: germline.

Genomic Medicine Center of Excellence, King Faisal Specialist Hospital and Research Centre
Classification: Likely benign for Exostoses, multiple, type 2. Last evaluated: 2024-04-04. Review status: criteria provided, single submitter. Criteria: ACMG Guidelines, 2015. Collection method: clinical testing. Allele origin: germline.

Illumina Laboratory Services, Illumina
Classification: Likely benign for Exostoses, multiple, type 2. Last evaluated: 2018-01-13. Review status: criteria provided, single submitter. Criteria: ICSL Variant Classification Criteria 13 December 2019. Collection method: clinical testing. Allele origin: germline.
Comment: This variant was observed in the ICSL laboratory as part of a predisposition screen in an ostensibly healthy population. It had not been previously curated by ICSL or reported in the Human Gene Mutation Database (HGMD: prior to June 1st, 2018), and was therefore a candidate for classification through an automated scoring system. Utilizing variant allele frequency, disease prevalence and penetrance estimates, and inheritance mode, an automated score was calculated to assess if this variant is too frequent to cause the disease. Based on the score and internal cut-off values, a variant classified as likely benign is not then subjected to further curation. The score for this variant resulted in a classification of likely benign for this disease.

NM_207122.2(EXT2):c.383G>A (p.Arg128Gln)

Gene: EXT2 (exostosin glycosyltransferase 2; plus strand). Cytogenetic location: 11p11.2.
Variant type: single nucleotide variant.
Coding change: c.383G>A on transcript NM_207122.2 (MANE Select); coding-DNA position 383, G replaced by A.
Protein change: p.Arg128Gln; replaces arginine 128 with glutamine.
Molecular consequence: missense variant.
Genome position (GRCh38, 1-based): chr11:44,108,095, G>A. VCF-style: chr11-44108095-G-A. GRCh37 (hg19) VCF-style: chr11-44129645-G-A.
Other names: c.482G>A, p.Arg161Gln (NM_000401.3); c.383G>A, p.Arg128Gln (NM_001178083.3, NM_001389628.1, NM_001389630.1); short protein forms R128Q, R161Q.
Identifiers: ClinVar variation 879929 (VCV000879929.14), dbSNP rs771039412, ClinGen allele CA5954872.
Genomic context (GRCh38, chr11:44,108,095, plus strand): 5'-TCTATGCTCTGAAAAAGTACGTGGATGACTTTGGCGTCTCTGTCAGCAACACCATCTCCC[G>A]GGAGTATAATGAACTGCTCATGGCCATCTCAGACAGTGACTACTACACTGATGACATCAA-3'
Protein context (NP_997005.1, residues 118-138): FGVSVSNTIS[Arg128Gln]EYNELLMAIS